The following is an entry in ClinVar:

ClinVar aggregate classification (germline): Conflicting classifications of pathogenicity. Review status: criteria provided, conflicting classifications (1 of 4 stars). 2 submissions from 2 submitters: Uncertain significance (1); Likely benign (1). Last evaluated 2025-07-31.

Allele frequency attached by ClinVar (database versions not stated): gnomAD 0.00010; TOPMed 0.00012; 1000 Genomes Project 30x 0.00016.
gnomAD v4.1: 36 of 1,613,474 alleles (0.0022%); highest among the groups gnomAD compares: East Asian, 0.029%; no homozygotes.

Submissions (2):

Labcorp Genetics (formerly Invitae), Labcorp
Classification: Uncertain significance. Last evaluated: 2025-07-31. Review status: criteria provided, single submitter. Criteria: Invitae Variant Classification Sherloc (09022015). Collection method: clinical testing. Allele origin: germline.
Comment: This sequence change replaces arginine, which is basic and polar, with cysteine, which is neutral and slightly polar, at codon 1042 of the DIAPH3 protein (p.Arg1042Cys). This variant is present in population databases (rs760815388, gnomAD 0.1%), and has an allele count higher than expected for a pathogenic variant. This missense change has been observed in individual(s) with deafness (PMID: 36597107). ClinVar contains an entry for this variant (Variation ID: 680047). An algorithm developed to predict the effect of missense changes on protein structure and function (PolyPhen-2) suggests that this variant is likely to be disruptive. In summary, the available evidence is currently insufficient to determine the role of this variant in disease. Therefore, it has been classified as a Variant of Uncertain Significance.

GeneDx
Classification: Likely benign. Last evaluated: 2018-04-25. Review status: criteria provided, single submitter. Criteria: GeneDx Variant Classification (06012015). Collection method: clinical testing. Allele origin: germline. Affected: yes.
Comment: This variant is considered likely benign or benign based on one or more of the following criteria: it is a conservative change, it occurs at a poorly conserved position in the protein, it is predicted to be benign by multiple in silico algorithms, and/or has population frequency not consistent with disease.

Literature cited by the submitters: PubMed 36597107 (cited by Labcorp Genetics (formerly Invitae), Labcorp).

NM_001042517.2(DIAPH3):c.3124C>T (p.Arg1042Cys)

Gene: DIAPH3 (diaphanous related formin 3; minus strand). Cytogenetic location: 13q21.2.
Variant type: single nucleotide variant.
Coding change: c.3124C>T on transcript NM_001042517.2 (MANE Select); coding-DNA position 3124, C replaced by T.
Protein change: p.Arg1042Cys; replaces arginine 1042 with cysteine.
Molecular consequence: missense variant.
Genome position (GRCh38, 1-based): chr13:59,810,827, G>A on the plus strand (C>T on the coding strand, the complement: DIAPH3 is on the minus strand). VCF-style: chr13-59810827-G-A. GRCh37 (hg19) VCF-style: chr13-60384961-G-A.
Other names: c.3091C>T, p.Arg1031Cys (NM_001258366.2); c.2986C>T, p.Arg996Cys (NM_001258367.2); c.2914C>T, p.Arg972Cys (NM_001258368.2); c.3124C>T, p.Arg1042Cys (NM_001258369.2); c.2335C>T, p.Arg779Cys (NM_030932.4); short protein forms R779C, R996C, R972C, R1031C, R1042C.
Identifiers: ClinVar variation 680047 (VCV000680047.7), dbSNP rs760815388, ClinGen allele CA6996160.
Genomic context (GRCh38, chr13:59,810,827, plus strand): 5'-AACAAATTTGATAGTACTCACCAGTCTTCATTTCTAATAAACGCTTTTTCTTTTGTTGGC[G>A]TTCGAGTCTTTCTCGCTCTGCTAATTCTTTAGCTATTCTGACACGTTTTTCTTTTTCCTC-3'
Protein context (NP_001035982.1, residues 1032-1052): KELAERERLE[Arg1042Cys]QQKKKRLLEM